The following is an entry in ClinVar:

NM_000179.3(MSH6):c.3989_4002-60dup

Gene: MSH6 (mutS homolog 6; plus strand). Cytogenetic location: 2p16.3.
Variant type: Duplication.
Coding change: c.3989_4002-60dup on transcript NM_000179.3 (MANE Select); coding-DNA position 3989 through 60 bases into the intron before coding-DNA position 4002, 81 bases duplicated.
Molecular consequence: splice donor variant.
Genome position (GRCh38, 1-based): chr2:47,806,639-47,806,719, 81 bases duplicated. GRCh37 (hg19): chr2:48,033,778-48,033,858.
Other names: c.3083_3096-60dup (NM_001281493.2, NM_001281494.2); c.3599_3612-60dup (NM_001281492.2).
Identifiers: ClinVar variation 631186 (VCV000631186.4), dbSNP rs1558394674, ClinGen allele CA913188063.

ClinVar aggregate classification (germline): Uncertain significance. Review status: criteria provided, multiple submitters, no conflicts (2 of 4 stars). 2 submissions from 2 submitters: Uncertain significance (2). Last evaluated 2024-07-23.

Conditions:
Hereditary nonpolyposis colorectal neoplasms. Identifiers: MedGen C0009405, MeSH D003123.
Hereditary cancer-predisposing syndrome. Also called: Tumor predisposition; Neoplastic Syndromes, Hereditary; Hereditary neoplastic syndrome; Hereditary Cancer Syndrome. Identifiers: Orphanet 140162, MedGen C0027672, MeSH D009386, MONDO:0015356.

Submissions (2):

Labcorp Genetics (formerly Invitae), Labcorp
Classification: Uncertain significance for Hereditary nonpolyposis colorectal neoplasms. Last evaluated: 2024-07-23. Review status: criteria provided, single submitter. Criteria: Invitae Variant Classification Sherloc (09022015). Collection method: clinical testing. Allele origin: germline.
Comment: This sequence change falls in intron 9 of the MSH6 gene. It does not directly change the encoded amino acid sequence of the MSH6 protein. This variant has not been reported in the literature in individuals affected with MSH6-related conditions. In summary, the available evidence is currently insufficient to determine the role of this variant in disease. Therefore, it has been classified as a Variant of Uncertain Significance.

Color Diagnostics, LLC DBA Color Health
Classification: Uncertain significance for Hereditary cancer-predisposing syndrome. Last evaluated: 2018-07-16. Review status: criteria provided, single submitter. Criteria: ACMG Guidelines, 2015. Collection method: clinical testing. Allele origin: germline.